The following is an entry in ClinVar:

NM_005159.5(ACTC1):c.129+18C>A

Genes: GJD2-DT (GJD2 divergent transcript; plus strand), ACTC1 (actin alpha cardiac muscle 1; minus strand). Cytogenetic location: 15q14.
Variant type: single nucleotide variant.
Coding change: c.129+18C>A on transcript NM_005159.5 (MANE Select); 18 bases into the intron after coding-DNA position 129, C replaced by A.
Molecular consequence: intron variant.
Genome position (GRCh38, 1-based): chr15:34,794,662, G>T on the plus strand (C>A on the coding strand, the complement: ACTC1 is on the minus strand). VCF-style: chr15-34794662-G-T. GRCh37 (hg19) VCF-style: chr15-35086863-G-T.
Other names: c.129+18C>A (LRG_388t1).
Identifiers: ClinVar variation 379628 (VCV000379628.8), dbSNP rs368977747, ClinGen allele CA16607058.

ClinVar aggregate classification (germline): Likely benign. Review status: criteria provided, multiple submitters, no conflicts (2 of 4 stars). 3 submissions from 3 submitters: Likely benign (3). Last evaluated 2025-01-19.

Conditions:
Hypertrophic cardiomyopathy 11. Also called: ACTC1-Related Familial Hypertrophic Cardiomyopathy. Identifiers: MedGen C2677506, MONDO:0012799, OMIM 612098.
Dilated cardiomyopathy 1R (CMD1R). Identifiers: Orphanet 154, Orphanet 54260, MedGen C3150681, MONDO:0013261, OMIM 613424.
Atrial septal defect 5 (ASD5). Identifiers: Orphanet 1478, MedGen C2748552, MONDO:0013011, OMIM 612794.

Allele frequency attached by ClinVar (database versions not stated): gnomAD 0.00006; ESP Exome Variant Server 0.00008; TOPMed 0.00009.
gnomAD v4.1: 21 of 1,608,352 alleles (0.0013%); highest among the groups gnomAD compares: African/African-American, 0.027%; no homozygotes.

Submissions (3):

Labcorp Genetics (formerly Invitae), Labcorp
Classification: Likely benign for Dilated cardiomyopathy 1R; Hypertrophic cardiomyopathy 11; Atrial septal defect 5. Last evaluated: 2025-01-19. Review status: criteria provided, single submitter. Criteria: Invitae Variant Classification Sherloc (09022015). Collection method: clinical testing. Allele origin: germline.

Fulgent Genetics
Classification: Likely benign for Hypertrophic cardiomyopathy 11; Atrial septal defect 5; Dilated cardiomyopathy 1R. Last evaluated: 2021-08-09. Review status: criteria provided, single submitter. Criteria: ACMG Guidelines, 2015. Collection method: clinical testing. Allele origin: unknown.

GeneDx
Classification: Likely benign. Last evaluated: 2016-02-18. Review status: criteria provided, single submitter. Criteria: GeneDx Variant Classification (06012015). Collection method: clinical testing. Allele origin: germline. Affected: yes.
Comment: This variant is considered likely benign or benign based on one or more of the following criteria: it is a conservative change, it occurs at a poorly conserved position in the protein, it is predicted to be benign by multiple in silico algorithms, and/or has population frequency not consistent with disease.